The following is an entry in ClinVar:

ClinVar aggregate classification (germline): Pathogenic/Likely pathogenic. Review status: criteria provided, multiple submitters, no conflicts (2 of 4 stars). 2 submissions from 2 submitters: Pathogenic (1); Likely pathogenic (1). Last evaluated 2025-12-19.

Conditions:
Aminoglycoside-induced deafness. Also called: DEAFNESS, STREPTOMYCIN-INDUCED; MT-RNR1-Related Hearing Loss and Deafness; STREPTOMYCIN OTOTOXICITY. Identifiers: Orphanet 168609, MedGen C1838854, MONDO:0010799, OMIM 580000.
Acute infantile liver failure due to synthesis defect of mtDNA-encoded proteins. Also called: LIVER FAILURE, INFANTILE, TRANSIENT; Liver failure acute infantile; TRMU Deficiency. Identifiers: Orphanet 217371, MedGen C3278664, MONDO:0013111, OMIM 613070.

Submissions (2):

Labcorp Genetics (formerly Invitae), Labcorp
Classification: Pathogenic. Last evaluated: 2025-12-19. Review status: criteria provided, single submitter. Criteria: Invitae Variant Classification Sherloc (09022015). Collection method: clinical testing. Allele origin: germline.
Comment: This sequence change creates a premature translational stop signal (p.Tyr58*) in the TRMU gene. It is expected to result in an absent or disrupted protein product. Loss-of-function variants in TRMU are known to be pathogenic (PMID: 19732863, 23625533). This variant is not present in population databases (gnomAD no frequency). This variant has not been reported in the literature in individuals affected with TRMU-related conditions. ClinVar contains an entry for this variant (Variation ID: 2770287). For these reasons, this variant has been classified as Pathogenic.

Fulgent Genetics
Classification: Likely pathogenic for Aminoglycoside-induced deafness; Acute infantile liver failure due to synthesis defect of mtDNA-encoded proteins. Last evaluated: 2024-04-04. Review status: criteria provided, single submitter. Criteria: ACMG Guidelines, 2015. Collection method: clinical testing. Allele origin: germline.

Literature cited by the submitters: PubMed 19732863 (cited by Labcorp Genetics (formerly Invitae), Labcorp); PubMed 23625533 (cited by Labcorp Genetics (formerly Invitae), Labcorp).

NM_018006.5(TRMU):c.173dup (p.Tyr58Ter)

Gene: TRMU (tRNA mitochondrial 2-thiouridylase; plus strand). Cytogenetic location: 22q13.31.
Variant type: Duplication.
Coding change: c.173dup on transcript NM_018006.5 (MANE Select); coding-DNA position 173, one base duplicated (A; older notation c.173dupA).
Protein change: p.Tyr58Ter; replaces tyrosine 58 with a stop codon.
Molecular consequence: nonsense. On other transcripts: frameshift variant (2), 5 prime UTR variant (3), non-coding transcript variant (2).
Genome position (GRCh38, 1-based): chr22:46,337,869, A duplicated. VCF-style (leftmost placement, unchanged base first): chr22-46337868-T-TA. GRCh37 (hg19) VCF-style: chr22-46733765-T-TA.
Other names: c.173dup, p.Tyr58Terfs (NM_001008568.2, NM_001008570.2); c.-63dup (NM_001282782.2); c.-82dup (NM_001282783.2, NM_001282784.2); c.173dup, p.Tyr58Ter (NM_001282785.2); short protein forms Y58*.
Identifiers: ClinVar variation 2770287 (VCV002770287.4), dbSNP rs2518131926, ClinGen allele CA2697552800.
Genomic context (GRCh38, chr22:46,337,868, plus strand): 5'-AACTGGGACTCACTGGATGAACATGGGGTCTGTACTGCCGACAAAGACTGTGAAGATGCT[T>TA]ACAGAGTTTGCCAGATCTTAGACATCCCTTTCCATCAAGTGTCCTACGTAAAGGAGTATT-3'